The following is an entry in ClinVar:

NM_014915.3(ANKRD26):c.-14C>G

Genes: ANKRD26 (ankyrin repeat domain 26; minus strand), LOC130003554 (ATAC-STARR-seq lymphoblastoid silent region 2243; plus strand). Cytogenetic location: 10p12.1.
Variant type: single nucleotide variant.
Coding change: c.-14C>G on transcript NM_014915.3 (MANE Select); 14 bases upstream of the start codon, C replaced by G.
Molecular consequence: 5 prime UTR variant.
Genome position (GRCh38, 1-based): chr10:27,100,340, G>C on the plus strand (C>G on the coding strand, the complement: ANKRD26 is on the minus strand). VCF-style: chr10-27100340-G-C. GRCh37 (hg19) VCF-style: chr10-27389269-G-C.
Other names: c.-14C>G (NM_001256053.2).
Identifiers: ClinVar variation 3725992 (VCV003725992.2).

ClinVar aggregate classification (germline): Uncertain significance (1 of 4 stars; one submission).

Submission:

Labcorp Genetics (formerly Invitae), Labcorp
Classification: Uncertain significance. Last evaluated: 2024-11-25. Review status: criteria provided, single submitter. Criteria: Invitae Variant Classification Sherloc (09022015). Collection method: clinical testing. Allele origin: germline.
Comment: This variant occurs in a non-coding region of the ANKRD26 gene. It does not change the encoded amino acid sequence of the ANKRD26 protein. This variant is not present in population databases (gnomAD no frequency). This variant has not been reported in the literature in individuals affected with ANKRD26-related conditions. In summary, the available evidence is currently insufficient to determine the role of this variant in disease. Therefore, it has been classified as a Variant of Uncertain Significance.